The following is an entry in ClinVar:

ClinVar aggregate classification (germline): Uncertain significance (1 of 4 stars; one submission).

Conditions:
Hyperaldosteronism, familial, type IV (HALD4). Also called: FH IV; ALDOSTERONISM, PRIMARY, AND HYPERTENSION. Identifiers: Orphanet 642671, MedGen C4310756, MONDO:0014875, OMIM 617027.
Idiopathic generalized epilepsy. Also called: Generalised epilepsy; EIG. Identifiers: MedGen C0270850, MONDO:0005579, OMIM 600669.

Allele frequency attached by ClinVar (database versions not stated): gnomAD exomes below 0.00001 and 0.00001.
gnomAD v4.1: 1 of 1,561,938 alleles (0.000064%); highest among the groups gnomAD compares: East Asian, 0.0024%; no homozygotes.

Submission:

Labcorp Genetics (formerly Invitae), Labcorp
Classification: Uncertain significance for Idiopathic generalized epilepsy; Hyperaldosteronism, familial, type IV. Last evaluated: 2022-02-24. Review status: criteria provided, single submitter. Criteria: Invitae Variant Classification Sherloc (09022015). Collection method: clinical testing. Allele origin: germline.
Comment: In summary, the available evidence is currently insufficient to determine the role of this variant in disease. Therefore, it has been classified as a Variant of Uncertain Significance. Algorithms developed to predict the effect of sequence changes on RNA splicing suggest that this variant may create or strengthen a splice site. Algorithms developed to predict the effect of missense changes on protein structure and function (SIFT, PolyPhen-2, Align-GVGD) all suggest that this variant is likely to be disruptive. This variant has not been reported in the literature in individuals affected with CACNA1H-related conditions. The frequency data for this variant in the population databases is considered unreliable, as metrics indicate poor data quality at this position in the gnomAD database. This sequence change replaces alanine, which is neutral and non-polar, with valine, which is neutral and non-polar, at codon 1870 of the CACNA1H protein (p.Ala1870Val).

NM_021098.3(CACNA1H):c.5609C>T (p.Ala1870Val)

Gene: CACNA1H (calcium voltage-gated channel subunit alpha1 H; plus strand). Cytogenetic location: 16p13.3.
Variant type: single nucleotide variant.
Coding change: c.5609C>T on transcript NM_021098.3 (MANE Select); coding-DNA position 5609, C replaced by T.
Protein change: p.Ala1870Val; replaces alanine 1870 with valine.
Molecular consequence: missense variant.
Genome position (GRCh38, 1-based): chr16:1,218,373, C>T. VCF-style: chr16-1218373-C-T. GRCh37 (hg19) VCF-style: chr16-1268373-C-T.
Other names: c.5591C>T, p.Ala1864Val (NM_001005407.2); short protein forms A1864V, A1870V.
Identifiers: ClinVar variation 1387597 (VCV001387597.8), dbSNP rs773943668, ClinGen allele CA7802075.